The following is an entry in ClinVar:

ClinVar aggregate classification (germline): Likely benign. Review status: criteria provided, multiple submitters, no conflicts (2 of 4 stars). 3 submissions from 3 submitters: Likely benign (3). Last evaluated 2026-03-01.

Conditions:
Episodic ataxia type 2 (EA2). Also called: ACETAZOLAMIDE-RESPONSIVE HEREDITARY PAROXYSMAL CEREBELLAR ATAXIA; ATAXIA, EPISODIC, WITH NYSTAGMUS; ATAXIA, FAMILIAL PAROXYSMAL; CEREBELLAR ATAXIA, PAROXYSMAL, ACETAZOLAMIDE-RESPONSIVE; CEREBELLOPATHY, HEREDITARY PAROXYSMAL; EPISODIC ATAXIA, NYSTAGMUS-ASSOCIATED. Identifiers: Orphanet 97, MedGen C1720416, MONDO:0007163, OMIM 108500.
Developmental and epileptic encephalopathy, 42 (DEE42A). Also called: Epileptic encephalopathy, early infantile, 42; DEVELOPMENTAL AND EPILEPTIC ENCEPHALOPATHY 42A; EPILEPTIC ENCEPHALOPATHY, EARLY INFANTILE, 42A. Identifiers: MedGen C4310716, MONDO:0014917, OMIM 617106.

Allele frequency attached by ClinVar (database versions not stated): TOPMed 0.00006; gnomAD 0.00010; 1000 Genomes Project 30x 0.00016; 1000 Genomes Project 0.00020.
gnomAD v4.1: 22 of 1,612,302 alleles (0.0014%); highest among the groups gnomAD compares: East Asian, 0.04%; no homozygotes.

Submissions (3):

CeGaT Center for Human Genetics Tuebingen
Classification: Likely benign. Last evaluated: 2026-03-01. Review status: criteria provided, single submitter. Criteria: CeGaT Center For Human Genetics Tuebingen Variant Classification Criteria Version 2. Collection method: clinical testing. Allele origin: germline. Affected: yes. Observed: 1 variant allele.
Comment: CACNA1A: BP4, BP7

Labcorp Genetics (formerly Invitae), Labcorp
Classification: Likely benign for Developmental and epileptic encephalopathy, 42; Episodic ataxia type 2. Last evaluated: 2025-10-22. Review status: criteria provided, single submitter. Criteria: Invitae Variant Classification Sherloc (09022015). Collection method: clinical testing. Allele origin: germline.

GeneDx
Classification: Likely benign. Last evaluated: 2020-12-07. Review status: criteria provided, single submitter. Criteria: GeneDx Variant Classification Process June 2021. Collection method: clinical testing. Allele origin: germline. Affected: yes.

NM_001127222.2(CACNA1A):c.1212C>G (p.Leu404=)

Gene: CACNA1A (calcium voltage-gated channel subunit alpha1 A; minus strand). Cytogenetic location: 19p13.13.
Variant type: single nucleotide variant.
Coding change: c.1212C>G on transcript NM_001127222.2 (MANE Select); coding-DNA position 1212, C replaced by G.
Protein change: p.Leu404=; no amino-acid change (leucine 404 retained).
Molecular consequence: synonymous variant.
Genome position (GRCh38, 1-based): chr19:13,332,912, G>C on the plus strand (C>G on the coding strand, the complement: CACNA1A is on the minus strand). VCF-style: chr19-13332912-G-C. GRCh37 (hg19) VCF-style: chr19-13443726-G-C.
Other names: c.1212C>G, p.Leu404= (NM_000068.4, NM_001127221.2, NM_001174080.2 and 1 more transcripts).
Identifiers: ClinVar variation 476234 (VCV000476234.14), dbSNP rs540579196, ClinGen allele CA9240878.